The following is an entry in ClinVar:

NM_014989.7(RIMS1):c.2532A>T (p.Glu844Asp)

Gene: RIMS1 (regulating synaptic membrane exocytosis 1; plus strand). Cytogenetic location: 6q13.
Variant type: single nucleotide variant.
Coding change: c.2532A>T on transcript NM_014989.7 (MANE Select); coding-DNA position 2532, A replaced by T.
Protein change: p.Glu844Asp; replaces glutamic acid 844 with aspartic acid.
Molecular consequence: missense variant.
Genome position (GRCh38, 1-based): chr6:72,251,080, A>T. VCF-style: chr6-72251080-A-T. GRCh37 (hg19) VCF-style: chr6-72960783-A-T.
Other names: c.954A>T, p.Glu318Asp (NM_001168407.2, NM_001168408.2, NM_001350414.2 and 37 more transcripts); c.711A>T, p.Glu237Asp (NM_001168409.2, NM_001350461.2, NM_001350463.2 and 6 more transcripts); c.909A>T, p.Glu303Asp (NM_001168410.2, NM_001350470.2, NM_001350472.2 and 2 more transcripts); c.885A>T, p.Glu295Asp (NM_001350421.2, NM_001350424.2, NM_001350428.2 and 6 more transcripts); short protein forms E237D, E303D, E318D, E295D, E844D.
Identifiers: ClinVar variation 1382907 (VCV001382907.8), dbSNP rs2154135847, ClinGen allele CA364679985.

ClinVar aggregate classification (germline): Uncertain significance (1 of 4 stars; one submission).

Submission:

Labcorp Genetics (formerly Invitae), Labcorp
Classification: Uncertain significance. Last evaluated: 2022-02-05. Review status: criteria provided, single submitter. Criteria: Invitae Variant Classification Sherloc (09022015). Collection method: clinical testing. Allele origin: germline.
Comment: In summary, the available evidence is currently insufficient to determine the role of this variant in disease. Therefore, it has been classified as a Variant of Uncertain Significance. This sequence change replaces glutamic acid, which is acidic and polar, with aspartic acid, which is acidic and polar, at codon 844 of the RIMS1 protein (p.Glu844Asp). This variant is not present in population databases (gnomAD no frequency). This variant has not been reported in the literature in individuals affected with RIMS1-related conditions. Algorithms developed to predict the effect of missense changes on protein structure and function are either unavailable or do not agree on the potential impact of this missense change (SIFT: "Deleterious"; PolyPhen-2: "Benign"; Align-GVGD: "Class C0").